The following is an entry in ClinVar:

ClinVar aggregate classification (germline): Pathogenic (1 of 4 stars; one submission).

Submission:

Ambry Genetics
Classification: Pathogenic. Last evaluated: 2025-06-26. Review status: criteria provided, single submitter. Criteria: Ambry Variant Classification Scheme 2023. Collection method: clinical testing. Allele origin: germline.
Comment: The c.628_649dupGAGGGCAGCTGGAGGCTCGGAG (p.A217Gfs*23) alteration, located in exon 7 (coding exon 7) of the GIGYF1 gene, consists of a duplication of GAGGGCAGCTGGAGGCTCGGAG at position 628, causing a translational frameshift with a predicted alternate stop codon after 23 amino acids. This alteration is expected to result in loss of function by premature protein truncation or nonsense-mediated mRNA decay. This variant was not reported in population-based cohorts in the Genome Aggregation Database (gnomAD). Based on the available evidence, this alteration is classified as pathogenic.

NM_022574.4:c.628_649dupGAGGGCAGCTGGAGGCTCGGAG

Gene: GIGYF1 (GRB10 interacting GYF protein 1; minus strand).
Variant type: Duplication.
Identifiers: ClinVar variation 4263658 (VCV004263658.1).